The following is an entry in ClinVar:

ClinVar aggregate classification (germline): Uncertain significance. Review status: criteria provided, multiple submitters, no conflicts (2 of 4 stars). 2 submissions from 2 submitters: Uncertain significance (2). Last evaluated 2026-02-13.

Conditions:
Hereditary cancer-predisposing syndrome. Also called: Neoplastic Syndromes, Hereditary; Tumor predisposition; Hereditary neoplastic syndrome; Hereditary Cancer Syndrome. Identifiers: Orphanet 140162, MedGen C0027672, MeSH D009386, MONDO:0015356.
Hereditary breast ovarian cancer syndrome. Also called: Breast and ovarian cancer; BRCA1- and BRCA2-Associated Hereditary Breast and Ovarian Cancer; Hereditary breast and ovarian cancer; Hereditary breast and/or ovarian cancer syndrome; Hereditary breast and ovarian cancer syndrome; Hereditary breast and ovarian cancer syndrome (HBOC). Identifiers: Orphanet 145, MedGen C0677776, MeSH D061325, MONDO:0003582. Disease mechanism: loss of function.

Submissions (2):

Ambry Genetics
Classification: Uncertain significance for Hereditary cancer-predisposing syndrome. Last evaluated: 2026-02-13. Review status: criteria provided, single submitter. Criteria: Ambry Variant Classification Scheme 2023. Collection method: clinical testing. Allele origin: germline.
Comment: The c.516+3A>G intronic variant results from an A to G substitution 3 nucleotides after coding exon 5 in the BRCA2 gene. This nucleotide position is highly conserved in available vertebrate species. In silico splice site analysis for this alteration is inconclusive. Based on the available evidence, the clinical significance of this variant remains unclear.

Labcorp Genetics (formerly Invitae), Labcorp
Classification: Uncertain significance for Hereditary breast ovarian cancer syndrome. Last evaluated: 2023-04-28. Review status: criteria provided, single submitter. Criteria: Invitae Variant Classification Sherloc (09022015). Collection method: clinical testing. Allele origin: germline.
Comment: In summary, the available evidence is currently insufficient to determine the role of this variant in disease. Therefore, it has been classified as a Variant of Uncertain Significance. Variants that disrupt the consensus splice site are a relatively common cause of aberrant splicing (PMID: 17576681, 9536098). Algorithms developed to predict the effect of sequence changes on RNA splicing suggest that this variant is not likely to affect RNA splicing. ClinVar contains an entry for this variant (Variation ID: 441289). This variant has not been reported in the literature in individuals affected with BRCA2-related conditions. This variant is not present in population databases (gnomAD no frequency). This sequence change falls in intron 6 of the BRCA2 gene. It does not directly change the encoded amino acid sequence of the BRCA2 protein. It affects a nucleotide within the consensus splice site.

Literature cited by the submitters: PubMed 17576681 (cited by Labcorp Genetics (formerly Invitae), Labcorp); PubMed 9536098 (cited by Labcorp Genetics (formerly Invitae), Labcorp).

NM_000059.4(BRCA2):c.516+3A>G

Gene: BRCA2 (BRCA2 DNA repair associated; plus strand). Cytogenetic location: 13q13.1.
Variant type: single nucleotide variant.
Coding change: c.516+3A>G on transcript NM_000059.4 (MANE Select); 3 bases into the intron after coding-DNA position 516, A replaced by G.
Molecular consequence: intron variant.
Genome position (GRCh38, 1-based): chr13:32,326,285, A>G. VCF-style: chr13-32326285-A-G. GRCh37 (hg19) VCF-style: chr13-32900422-A-G.
Identifiers: ClinVar variation 441289 (VCV000441289.9), dbSNP rs1555281001, ClinGen allele CA658653663.